The following is an entry in ClinVar:

NM_030665.4(RAI1):c.-132C>T

Gene: RAI1 (retinoic acid induced 1; plus strand). Cytogenetic location: 17p11.2.
Variant type: single nucleotide variant.
Coding change: c.-132C>T on transcript NM_030665.4 (MANE Select); 132 bases upstream of the start codon, C replaced by T.
Molecular consequence: 5 prime UTR variant.
Genome position (GRCh38, 1-based): chr17:17,724,044, C>T. VCF-style: chr17-17724044-C-T. GRCh37 (hg19) VCF-style: chr17-17627358-C-T.
Identifiers: ClinVar variation 3351749 (VCV003351749.1).

ClinVar aggregate classification (germline): Likely benign (0 of 4 stars; one submission).

Conditions:
RAI1-related disorder. Also called: RAI1-related condition.

Submission:

PreventionGenetics, part of Exact Sciences
Classification: Likely benign for RAI1-related condition. Last evaluated: 2020-08-17. Review status: no assertion criteria provided. Collection method: clinical testing. Allele origin: germline.
Comment: This variant is classified as likely benign based on ACMG/AMP sequence variant interpretation guidelines (Richards et al. 2015 PMID: 25741868, with internal and published modifications).